The following is an entry in ClinVar:

NM_201384.3(PLEC):c.11843C>T (p.Ser3948Leu)

Gene: PLEC (plectin; minus strand). Cytogenetic location: 8q24.3.
Variant type: single nucleotide variant.
Coding change: c.11843C>T on transcript NM_201384.3 (MANE Select); coding-DNA position 11843, C replaced by T.
Protein change: p.Ser3948Leu; replaces serine 3948 with leucine.
Molecular consequence: missense variant.
Genome position (GRCh38, 1-based): chr8:143,917,978, G>A on the plus strand (C>T on the coding strand, the complement: PLEC is on the minus strand). VCF-style: chr8-143917978-G-A. GRCh37 (hg19) VCF-style: chr8-144992146-G-A.
Other names: c.11924C>T, p.Ser3975Leu (NM_000445.5); c.11801C>T, p.Ser3934Leu (NM_201378.4); c.11777C>T, p.Ser3926Leu (NM_201379.3); c.12254C>T, p.Ser4085Leu (NM_201380.4); c.11747C>T, p.Ser3916Leu (NM_201381.3); c.11843C>T, p.Ser3948Leu (NM_201382.4); c.11855C>T, p.Ser3952Leu (NM_201383.3); short protein forms S3926L, S3948L, S3952L, S3975L, S3916L, S4085L, S3934L.
Identifiers: ClinVar variation 575408 (VCV000575408.12), dbSNP rs78999991, ClinGen allele CA4924234.

ClinVar aggregate classification (germline): Uncertain significance. Review status: criteria provided, multiple submitters, no conflicts (2 of 4 stars). 2 submissions from 2 submitters: Uncertain significance (2). Last evaluated 2025-09-08.

Conditions:
PLEC-related disorder. Also called: PLEC-related disorders; PLEC-related condition.
Epidermolysis bullosa simplex 5B, with muscular dystrophy (EBS5B). Also called: EPIDERMOLYSIS BULLOSA SIMPLEX AND LIMB-GIRDLE MUSCULAR DYSTROPHY; Epidermolysis bullosa simplex with muscular dystrophy. Identifiers: Orphanet 257, MedGen C2931072, MONDO:0009181, OMIM 226670.
Epidermolysis bullosa simplex 5C, with pyloric atresia (EBS5C). Also called: PLEC-Related Epidermolysis Bullosa with Pyloric Atresia; Epidermolysis bullosa simplex with pyloric atresia; PLEC1-Related Epidermolysis Bullosa with Pyloric Atresia. Identifiers: Orphanet 158684, MedGen C2677349, MONDO:0012807, OMIM 612138.
Epidermolysis bullosa simplex with nail dystrophy (EBS5D). Identifiers: MedGen C4225309, MONDO:0014661, OMIM 616487.
Epidermolysis bullosa simplex, Ogna type (EBS5A). Also called: Pidermolysis bullosa simplex 5A, Ogna type; EPIDERMOLYSIS BULLOSA SIMPLEX 5A, OGNA TYPE. Identifiers: Orphanet 79401, MedGen C0432317, MONDO:0007555, OMIM 131950.
Autosomal recessive limb-girdle muscular dystrophy type 2Q (LGMDR17). Also called: MUSCULAR DYSTROPHY, LIMB-GIRDLE, AUTOSOMAL RECESSIVE 17. Identifiers: Orphanet 254361, MedGen C3150989, MONDO:0013390, OMIM 613723.

Allele frequency attached by ClinVar (database versions not stated): ExAC 0.00003; gnomAD exomes 0.00003; TOPMed 0.00004; gnomAD 0.00005; 1000 Genomes Project 0.00020; 1000 Genomes Project 30x 0.00031.
gnomAD v4.1: 49 of 1,612,670 alleles (0.003%); highest among the groups gnomAD compares: African/African-American, 0.015%; no homozygotes.

Submissions (2):

Labcorp Genetics (formerly Invitae), Labcorp
Classification: Uncertain significance for Autosomal recessive limb-girdle muscular dystrophy type 2Q; Epidermolysis bullosa simplex, Ogna type; Epidermolysis bullosa simplex with nail dystrophy; Epidermolysis bullosa simplex 5C, with pyloric atresia; Epidermolysis bullosa simplex 5B, with muscular dystrophy. Last evaluated: 2025-09-08. Review status: criteria provided, single submitter. Criteria: Invitae Variant Classification Sherloc (09022015). Collection method: clinical testing. Allele origin: germline.
Comment: This sequence change replaces serine, which is neutral and polar, with leucine, which is neutral and non-polar, at codon 3975 of the PLEC protein (p.Ser3975Leu). This variant is present in population databases (rs78999991, gnomAD 0.02%). This variant has not been reported in the literature in individuals affected with PLEC-related conditions. ClinVar contains an entry for this variant (Variation ID: 575408). Invitae Evidence Modeling of protein sequence and biophysical properties (such as structural, functional, and spatial information, amino acid conservation, physicochemical variation, residue mobility, and thermodynamic stability) indicates that this missense variant is expected to disrupt PLEC protein function with a positive predictive value of 80%. In summary, the available evidence is currently insufficient to determine the role of this variant in disease. Therefore, it has been classified as a Variant of Uncertain Significance.

PreventionGenetics, part of Exact Sciences
Classification: Uncertain significance for PLEC-related condition. Last evaluated: 2023-01-04. Review status: criteria provided, single submitter. Criteria: ACMG Guidelines, 2015. Collection method: clinical testing. Allele origin: germline.
Comment: The PLEC c.11924C>T variant is predicted to result in the amino acid substitution p.Ser3975Leu. To our knowledge, this variant has not been reported in the literature. This variant is reported in 0.021% of alleles in individuals of African descent in gnomAD. At this time, the clinical significance of this variant is uncertain due to the absence of conclusive functional and genetic evidence.